The following is an entry in ClinVar:

ClinVar aggregate classification (germline): Uncertain significance (1 of 4 stars; one submission).

Submission:

Labcorp Genetics (formerly Invitae), Labcorp
Classification: Uncertain significance. Last evaluated: 2024-05-22. Review status: criteria provided, single submitter. Criteria: Invitae Variant Classification Sherloc (09022015). Collection method: clinical testing. Allele origin: germline.
Comment: This sequence change replaces glutamic acid, which is acidic and polar, with glycine, which is neutral and non-polar, at codon 384 of the MOCS3 protein (p.Glu384Gly). This variant is not present in population databases (gnomAD no frequency). This variant has not been reported in the literature in individuals affected with MOCS3-related conditions. An algorithm developed to predict the effect of missense changes on protein structure and function (PolyPhen-2) suggests that this variant is likely to be tolerated. In summary, the available evidence is currently insufficient to determine the role of this variant in disease. Therefore, it has been classified as a Variant of Uncertain Significance.

NM_014484.5(MOCS3):c.1151A>G (p.Glu384Gly)

Gene: MOCS3 (molybdenum cofactor synthesis 3; plus strand). Cytogenetic location: 20q13.13.
Variant type: single nucleotide variant.
Coding change: c.1151A>G on transcript NM_014484.5 (MANE Select); coding-DNA position 1151, A replaced by G.
Protein change: p.Glu384Gly; replaces glutamic acid 384 with glycine.
Molecular consequence: missense variant.
Genome position (GRCh38, 1-based): chr20:50,959,993, A>G. VCF-style: chr20-50959993-A-G. GRCh37 (hg19) VCF-style: chr20-49576530-A-G.
Other names: short protein forms E384G.
Identifiers: ClinVar variation 3654244 (VCV003654244.2).